The following is an entry in ClinVar:

NM_000057.4(BLM):c.1495T>A (p.Ser499Thr)

Gene: BLM (BLM RecQ like helicase; plus strand). Cytogenetic location: 15q26.1.
Variant type: single nucleotide variant.
Coding change: c.1495T>A on transcript NM_000057.4 (MANE Select); coding-DNA position 1495, T replaced by A.
Protein change: p.Ser499Thr; replaces serine 499 with threonine.
Molecular consequence: missense variant.
Genome position (GRCh38, 1-based): chr15:90,760,868, T>A. VCF-style: chr15-90760868-T-A. GRCh37 (hg19) VCF-style: chr15-91304098-T-A.
Other names: c.1495T>A, p.Ser499Thr (NM_001287246.2, NM_001287247.2); c.370T>A, p.Ser124Thr (NM_001287248.2); c.1495T>A (NM_000057.2); short protein forms S499T, S124T.
Identifiers: ClinVar variation 454081 (VCV000454081.17), dbSNP rs371965329, ClinGen allele CA7738546.

ClinVar aggregate classification (germline): Uncertain significance. Review status: criteria provided, multiple submitters, no conflicts (2 of 4 stars). 6 submissions from 6 submitters: Uncertain significance (5). 1 of the submissions does not count toward it. Last evaluated 2026-10-01.

Conditions:
Hereditary cancer-predisposing syndrome. Also called: Hereditary neoplastic syndrome; Tumor predisposition; Neoplastic Syndromes, Hereditary; Hereditary Cancer Syndrome. Identifiers: Orphanet 140162, MedGen C0027672, MeSH D009386, MONDO:0015356.
Bloom syndrome (BLM). Also called: Bloom-Torre-Machacek syndrome. Identifiers: Orphanet 125, MedGen C0005859, MONDO:0008876, OMIM 210900.

Allele frequency attached by ClinVar (database versions not stated): gnomAD exomes below 0.00001 and 0.00001; ExAC 0.00002; gnomAD 0.00007; ESP Exome Variant Server 0.00008; TOPMed 0.00009.
gnomAD v4.1: 14 of 1,613,858 alleles (0.00087%); highest among the groups gnomAD compares: African/African-American, 0.019%; no homozygotes.

Submissions (6):

St. Jude Molecular Pathology, St. Jude Children's Research Hospital
Classification: Uncertain significance for Bloom syndrome. Last evaluated: 2026-10-01. Review status: criteria provided, single submitter. Criteria: St. Jude Assertion Criteria 2020. Collection method: clinical testing. Allele origin: germline.
Comment: The BLM c.1495T>A p.(Ser499Thr) missense change has a maximum subpopulation frequency of 0.02% in gnomAD v2.1.1. The in silico tool REVEL predicts a benign effect on protein fun ction, but to our knowledge this prediction has not been confirmed by functional studies. To our knowledge, this variant has not been reported in individuals with Bloom syndrome. In summary, the evidence currently available is insufficient to determine t he clinical significance of this variant. It has therefore been classified as of uncertain significance.

Labcorp Genetics (formerly Invitae), Labcorp
Classification: Uncertain significance for Bloom syndrome. Last evaluated: 2026-01-27. Review status: criteria provided, single submitter. Criteria: Invitae Variant Classification Sherloc (09022015). Collection method: clinical testing. Allele origin: germline.
Comment: This sequence change replaces serine, which is neutral and polar, with threonine, which is neutral and polar, at codon 499 of the BLM protein (p.Ser499Thr). This variant is present in population databases (rs371965329, gnomAD 0.03%). This variant has not been reported in the literature in individuals affected with BLM-related conditions. ClinVar contains an entry for this variant (Variation ID: 454081). Invitae Evidence Modeling of protein sequence and biophysical properties (such as structural, functional, and spatial information, amino acid conservation, physicochemical variation, residue mobility, and thermodynamic stability) indicates that this missense variant is not expected to disrupt BLM protein function with a negative predictive value of 80%. In summary, the available evidence is currently insufficient to determine the role of this variant in disease. Therefore, it has been classified as a Variant of Uncertain Significance.

Quest Diagnostics Nichols Institute San Juan Capistrano
Classification: Uncertain significance. Last evaluated: 2024-11-18. Review status: criteria provided, single submitter. Criteria: Quest Diagnostics criteria. Collection method: clinical testing. Allele origin: unknown.
Comment: The BLM c.1495T>A (p.Ser499Thr) variant has not been reported in individuals with BLM-related conditions in the published literature. The frequency of this variant in the general population, 0.0002 (5/24714 chromosomes (Genome Aggregation Database)), is uninformative in the assessment of its pathogenicity. Analysis of this variant using bioinformatics tools for the prediction of the effect of amino acid changes on protein structure and function yielded predictions that this variant is benign. Based on the available information, we are unable to determine the clinical significance of this variant.

Ambry Genetics
Classification: Uncertain significance for Hereditary cancer-predisposing syndrome. Last evaluated: 2024-11-09. Review status: criteria provided, single submitter. Criteria: Ambry Variant Classification Scheme 2023. Collection method: clinical testing. Allele origin: germline.
Comment: The p.S499T variant (also known as c.1495T>A), located in coding exon 6 of the BLM gene, results from a T to A substitution at nucleotide position 1495. The serine at codon 499 is replaced by threonine, an amino acid with similar properties. This amino acid position is well conserved in available vertebrate species. In addition, this alteration is predicted to be tolerated by in silico analysis. Since supporting evidence is limited at this time, the clinical significance of this alteration remains unclear.

GeneDx
Classification: Uncertain significance. Last evaluated: 2024-10-07. Review status: criteria provided, single submitter. Criteria: GeneDx Variant Classification Process June 2021. Collection method: clinical testing. Allele origin: germline. Affected: yes.
Comment: In silico analysis indicates that this missense variant does not alter protein structure/function; Has not been previously published as pathogenic or benign to our knowledge

Natera, Inc.
Classification: Uncertain significance for Bloom syndrome. Last evaluated: 2020-09-16. Review status: no assertion criteria provided. Collection method: clinical testing. Allele origin: germline. Not counted in ClinVar's aggregate classification.